The following is an entry in ClinVar:

ClinVar aggregate classification (germline): Uncertain significance (1 of 4 stars; one submission).

gnomAD v4.1: 1 of 1,551,652 alleles (0.000064%); highest among the groups gnomAD compares: Non-Finnish European, 0.000087%; no homozygotes.

Submission:

Labcorp Genetics (formerly Invitae), Labcorp
Classification: Uncertain significance. Last evaluated: 2025-03-05. Review status: criteria provided, single submitter. Criteria: Invitae Variant Classification Sherloc (09022015). Collection method: clinical testing. Allele origin: germline.
Comment: This sequence change replaces leucine, which is neutral and non-polar, with serine, which is neutral and polar, at codon 1385 of the TET2 protein (p.Leu1385Ser). This variant is not present in population databases (gnomAD no frequency). This variant has not been reported in the literature in individuals affected with TET2-related conditions. An algorithm developed to predict the effect of missense changes on protein structure and function (PolyPhen-2) suggests that this variant is likely to be disruptive. In summary, the available evidence is currently insufficient to determine the role of this variant in disease. Therefore, it has been classified as a Variant of Uncertain Significance.

NM_001127208.3(TET2):c.4154T>C (p.Leu1385Ser)

Genes: TET2 (tet methylcytosine dioxygenase 2; plus strand), TET2-AS1 (TET2 antisense RNA 1; minus strand). Cytogenetic location: 4q24.
Variant type: single nucleotide variant.
Coding change: c.4154T>C on transcript NM_001127208.3 (MANE Select); coding-DNA position 4154, T replaced by C.
Protein change: p.Leu1385Ser; replaces leucine 1385 with serine.
Molecular consequence: missense variant.
Genome position (GRCh38, 1-based): chr4:105,269,719, T>C. VCF-style: chr4-105269719-T-C. GRCh37 (hg19) VCF-style: chr4-106190876-T-C.
Other names: short protein forms L1385S.
Identifiers: ClinVar variation 4772781 (VCV004772781.1).